The following is an entry in ClinVar:

ClinVar aggregate classification (germline): Pathogenic (1 of 4 stars; one submission).

Submission:

GeneDx
Classification: Pathogenic. Last evaluated: 2019-07-09. Review status: criteria provided, single submitter. Criteria: GeneDx Variant Classification Process June 2021. Collection method: clinical testing. Allele origin: germline. Affected: yes.
Comment: Nonsense variant predicted to result in protein truncation or nonsense mediated decay in a gene for which loss-of-function is a known mechanism of disease; Not observed in large population cohorts (Lek et al., 2016); Has not been previously published as pathogenic or benign to our knowledge

NM_177550.5(SLC13A5):c.1115C>A (p.Ser372Ter)

Gene: SLC13A5 (solute carrier family 13 member 5; minus strand). Cytogenetic location: 17p13.1.
Variant type: single nucleotide variant.
Coding change: c.1115C>A on transcript NM_177550.5 (MANE Select); coding-DNA position 1115, C replaced by A.
Protein change: p.Ser372Ter; replaces serine 372 with a stop codon.
Molecular consequence: nonsense.
Genome position (GRCh38, 1-based): chr17:6,694,138, G>T on the plus strand (C>A on the coding strand, the complement: SLC13A5 is on the minus strand). VCF-style: chr17-6694138-G-T. GRCh37 (hg19) VCF-style: chr17-6597457-G-T.
Other names: c.1115C>A, p.Ser372Ter (NM_001143838.3); c.1064C>A, p.Ser355Ter (NM_001284509.2); c.986C>A, p.Ser329Ter (NM_001284510.2); short protein forms S329*, S355*, S372*.
Identifiers: ClinVar variation 1186028 (VCV001186028.2), dbSNP rs2151485510, ClinGen allele CA397742545.